The following is an entry in ClinVar:

NM_001009944.3(PKD1):c.6089C>A (p.Pro2030His)

Gene: PKD1 (polycystin 1, transient receptor potential channel interacting; minus strand). Cytogenetic location: 16p13.3.
Variant type: single nucleotide variant.
Coding change: c.6089C>A on transcript NM_001009944.3 (MANE Select); coding-DNA position 6089, C replaced by A.
Protein change: p.Pro2030His; replaces proline 2030 with histidine.
Molecular consequence: missense variant.
Genome position (GRCh38, 1-based): chr16:2,109,078, G>T on the plus strand (C>A on the coding strand, the complement: PKD1 is on the minus strand). VCF-style: chr16-2109078-G-T. GRCh37 (hg19) VCF-style: chr16-2159079-G-T.
Other names: c.6089C>A, p.Pro2030His (NM_000296.4); short protein forms P2030H.
Identifiers: ClinVar variation 2631526 (VCV002631526.4), dbSNP rs2544806086, ClinGen allele CA394374427.

ClinVar aggregate classification (germline): Uncertain significance. Review status: criteria provided, multiple submitters, no conflicts (2 of 4 stars). 4 submissions from 4 submitters: Uncertain significance (4). Last evaluated 2024-12-26.

Conditions:
Polycystic kidney disease, adult type (PKD1). Also called: Polycystic Kidney Disease 1, Autosomal Dominant; Polycystic kidney disease 1; Polycystic kidney disease 1, severe; POLYCYSTIC KIDNEY DISEASE, ADULT, TYPE I; Polycystic Kidney, Autosomal Dominant; POLYCYSTIC KIDNEY DISEASE 1 WITH OR WITHOUT POLYCYSTIC LIVER DISEASE. Identifiers: MedGen C3149841, MONDO:0008263, OMIM 173900.
PKD1-related disorder. Also called: PKD1-related condition.

Submissions (4):

GeneDx
Classification: Uncertain significance. Last evaluated: 2024-12-26. Review status: criteria provided, single submitter. Criteria: GeneDx Variant Classification Process June 2021. Collection method: clinical testing. Allele origin: germline. Affected: yes.
Comment: Not observed at significant frequency in large population cohorts (gnomAD); In silico analysis supports that this missense variant has a deleterious effect on protein structure/function; Has not been previously published as pathogenic or benign to our knowledge

Blueprint Genetics
Classification: Uncertain significance. Last evaluated: 2024-11-25. Review status: criteria provided, single submitter. Criteria: ACMG Guidelines, 2015. Collection method: clinical testing. Allele origin: germline.

PreventionGenetics, part of Exact Sciences
Classification: Uncertain significance for PKD1-related condition. Last evaluated: 2023-07-19. Review status: criteria provided, single submitter. Criteria: ACMG Guidelines, 2015. Collection method: clinical testing. Allele origin: germline.
Comment: The PKD1 c.6089C>A variant is predicted to result in the amino acid substitution p.Pro2030His. To our knowledge, this variant has not been reported in the literature or in a large population database, indicating this variant is rare. At this time, the clinical significance of this variant is uncertain due to the absence of conclusive functional and genetic evidence.

Department of Pathology and Laboratory Medicine, Sinai Health System
Classification: Uncertain significance for Polycystic kidney disease, adult type. Last evaluated: 2017-07-10. Review status: criteria provided, single submitter. Criteria: ACMG Guidelines, 2015. Collection method: clinical testing. Allele origin: germline. Affected: yes.